The following is an entry in ClinVar:

NM_198428.3(BBS9):c.373T>C (p.Leu125=)

Gene: BBS9 (Bardet-Biedl syndrome 9; plus strand). Cytogenetic location: 7p14.3.
Variant type: single nucleotide variant.
Coding change: c.373T>C on transcript NM_198428.3 (MANE Select); coding-DNA position 373, T replaced by C.
Protein change: p.Leu125=; no amino-acid change (leucine 125 retained).
Molecular consequence: synonymous variant. On other transcripts: non-coding transcript variant (3).
Genome position (GRCh38, 1-based): chr7:33,177,522, T>C. VCF-style: chr7-33177522-T-C. GRCh37 (hg19) VCF-style: chr7-33217134-T-C.
Other names: c.373T>C, p.Leu125= (NM_001033604.2, NM_001033605.2, NM_001348036.1 and 5 more transcripts); c.7T>C, p.Leu3= (NM_001348037.3, NM_001348044.3, NM_001348045.3 and 1 more transcripts); c.100T>C, p.Leu34= (NM_001348038.3, NM_001348039.3); c.238T>C, p.Leu80= (NM_001348042.3); c.373T>C (NM_198428.2).
Identifiers: ClinVar variation 3708990 (VCV003708990.3).

ClinVar aggregate classification (germline): Likely benign. Review status: criteria provided, multiple submitters, no conflicts (2 of 4 stars). 2 submissions from 2 submitters: Likely benign (2). Last evaluated 2025-05-15.

Conditions:
Bardet-Biedl syndrome (BBS). Identifiers: Orphanet 110, MedGen C0752166, MONDO:0015229.
BBS9-related disorder. Also called: BBS9-related condition.

gnomAD v4.1: 2 of 1,613,490 alleles (0.00012%); highest among the groups gnomAD compares: African/African-American, 0.0027%; no homozygotes.

Submissions (2):

PreventionGenetics, part of Exact Sciences
Classification: Likely benign for BBS9-related condition. Last evaluated: 2025-05-15. Review status: criteria provided, single submitter. Criteria: ACMG Guidelines, 2015. Collection method: clinical testing. Allele origin: germline.
Comment: This variant is classified as likely benign based on ACMG/AMP sequence variant interpretation guidelines (Richards et al. 2015 PMID: 25741868, with internal and published modifications).

Labcorp Genetics (formerly Invitae), Labcorp
Classification: Likely benign for Bardet-Biedl syndrome. Last evaluated: 2024-10-03. Review status: criteria provided, single submitter. Criteria: Invitae Variant Classification Sherloc (09022015). Collection method: clinical testing. Allele origin: germline.